The following is an entry in ClinVar:

NM_001197104.2(KMT2A):c.209G>A (p.Ser70Asn)

Gene: KMT2A (lysine methyltransferase 2A; plus strand). Cytogenetic location: 11q23.3.
Variant type: single nucleotide variant.
Coding change: c.209G>A on transcript NM_001197104.2 (MANE Select); coding-DNA position 209, G replaced by A.
Protein change: p.Ser70Asn; replaces serine 70 with asparagine.
Molecular consequence: missense variant.
Genome position (GRCh38, 1-based): chr11:118,436,721, G>A. VCF-style: chr11-118436721-G-A. GRCh37 (hg19) VCF-style: chr11-118307436-G-A.
Other names: c.209G>A, p.Ser70Asn (NM_005933.4); short protein forms S70N.
Identifiers: ClinVar variation 1373570 (VCV001373570.11), dbSNP rs1177309170, ClinGen allele CA382797584.

ClinVar aggregate classification (germline): Uncertain significance. Review status: criteria provided, multiple submitters, no conflicts (2 of 4 stars). 3 submissions from 3 submitters: Uncertain significance (3). Last evaluated 2023-12-27.

Conditions:
Wiedemann-Steiner syndrome (WDSTS). Also called: Growth deficiency and mental retardation with facial dysmorphism. Identifiers: Orphanet 319182, MedGen C1854630, MONDO:0011518, OMIM 605130.

Allele frequency attached by ClinVar (database versions not stated): gnomAD exomes 0.00002.
gnomAD v4.1: 23 of 1,431,480 alleles (0.0016%); highest among the groups gnomAD compares: Non-Finnish European, 0.002%; no homozygotes.

Submissions (3):

Women's Health and Genetics/Laboratory Corporation of America, LabCorp
Classification: Uncertain significance. Last evaluated: 2023-12-27. Review status: criteria provided, single submitter. Criteria: LabCorp Variant Classification Summary - May 2015. Collection method: clinical testing. Allele origin: germline.
Comment: Variant summary: KMT2A c.209G>A (p.Ser70Asn) results in a conservative amino acid change in the encoded protein sequence. Five of five in-silico tools predict a benign effect of the variant on protein function. The variant allele was found at a frequency of 1.6e-05 in 1431480 control chromosomes (gnomAD v4.0). To our knowledge, no occurrence of c.209G>A in individuals affected with Wiedemann-Steiner Syndrome and no experimental evidence demonstrating its impact on protein function have been reported. Two submitters have cited clinical-significance assessments for this variant to ClinVar after 2014. Both submitters classified the variant as uncertain significance. Based on the evidence outlined above, the variant was classified as uncertain significance.

Labcorp Genetics (formerly Invitae), Labcorp
Classification: Uncertain significance. Last evaluated: 2023-10-13. Review status: criteria provided, single submitter. Criteria: Invitae Variant Classification Sherloc (09022015). Collection method: clinical testing. Allele origin: germline.
Comment: This sequence change replaces serine, which is neutral and polar, with asparagine, which is neutral and polar, at codon 70 of the KMT2A protein (p.Ser70Asn). This variant is present in population databases (no rsID available, gnomAD 0.01%). This variant has not been reported in the literature in individuals affected with KMT2A-related conditions. ClinVar contains an entry for this variant (Variation ID: 1373570). Advanced modeling of protein sequence and biophysical properties (such as structural, functional, and spatial information, amino acid conservation, physicochemical variation, residue mobility, and thermodynamic stability) has been performed at Invitae for this missense variant, however the output from this modeling did not meet the statistical confidence thresholds required to predict the impact of this variant on KMT2A protein function. In summary, the available evidence is currently insufficient to determine the role of this variant in disease. Therefore, it has been classified as a Variant of Uncertain Significance.

Victorian Clinical Genetics Services, Murdoch Childrens Research Institute
Classification: Uncertain significance for Wiedemann-Steiner syndrome. Last evaluated: 2022-06-24. Review status: criteria provided, single submitter. Criteria: ACMG Guidelines, 2015. Collection method: clinical testing. Allele origin: germline. Inheritance: Autosomal dominant inheritance. Affected: yes.
Comment: Based on the classification scheme VCGS_Germline_v1.3.4, this variant is classified as VUS-3C. Following criteria are met: 0102 - Loss of function is a known mechanism of disease in this gene and is associated with Wiedemann-Steiner syndrome (MIM#605130). (I) 0107 - This gene is associated with autosomal dominant disease. (I) 0200 - Variant is predicted to result in a missense amino acid change from serine to asparagine. (I) 0251 - This variant is heterozygous. (I) 0302 - Variant is present in gnomAD (v2) <0.001 for a dominant condition (1 heterozygote, 0 homozygotes). (SP) 0309 - An alternative amino acid change at the same position has been observed in gnomAD (v2) (2 heterozygotes, 0 homozygotes). (I) 0503 - Missense variant consistently predicted to be tolerated by multiple in silico tools or not conserved in placental mammals with a minor amino acid change. (SB) 0604 - Variant is not located in an established domain, motif, hotspot or informative constraint region. (I) 0710 - Another missense variant comparable to the one identified in this case has inconclusive previous evidence for pathogenicity. p.(Ser70Thr) has been classified as a VUS by a clinical laboratory in ClinVar. (I) 0809 - Previous evidence of pathogenicity for this variant is inconclusive. This variant has been classified as a VUS by a clinical laboratory in ClinVar. (I) 0905 - No published segregation evidence has been identified for this variant. (I) 1007 - No published functional evidence has been identified for this variant. (I) 1208 - Inheritance information for this variant is not currently available in this individual. (I) Legend: (SP) - Supporting pathogenic, (I) - Information, (SB) - Supporting benign